The following continues an entry in ClinVar:

NM_000161.3(GCH1):c.671A>G (p.Lys224Arg)

Gene: GCH1. ClinVar aggregate classification (germline): Conflicting classifications of pathogenicity. Pathogenic (5); Likely pathogenic (8); Uncertain significance (5).

Submissions 10 to 20 of 20:

Women's Health and Genetics/Laboratory Corporation of America, LabCorp
Classification: Pathogenic for GTP cyclohydrolase I deficiency. Last evaluated: 2023-03-11. Review status: criteria provided, single submitter. Criteria: LabCorp Variant Classification Summary - May 2015. Collection method: clinical testing. Allele origin: germline.
Comment: Variant summary: GCH1 c.671A>G (p.Lys224Arg) results in a conservative amino acid change located in the GTP cyclohydrolase I domain (IPR020602) of the encoded protein sequence. Three of five in-silico tools predict a benign effect of the variant on protein function. The variant allele was found at a frequency of 0.00039 in 248968 control chromosomes. This frequency is not significantly higher than estimated for a pathogenic variant in GCH1 causing GTP Cyclohydrolase I Deficiency (0.00039 vs 0.0011), allowing no conclusion about variant significance. In a cross-sectional review, c.671A>G has been reported in the literature as a compound heterozygous genotype in individuals with autosomal recessive DOPA responsive dystonia (DRD) and in individuals with autosomal dominant features of athetoid cerebral palsy, GTP-CH deficiency, DRD, Parkinson disease (PD) (example, PMID: 19332422, 8852666, 9667588, 12391354, 18044725, 23942198, 17044972, 30314816). However, due to the presence in control cohorts, the possibility of reduced penetrance cannot be excluded. These data indicate that the variant is very likely to be associated with disease. To our knowledge, no variant specific experimental evidence demonstrating an impact on protein function has been reported. Nine clinical diagnostic laboratories have submitted clinical-significance assessments for this variant to ClinVar after 2014 without evidence for independent evaluation. Multiple laboratories reported the variant with conflicting assessments (P/LP, n=5; VUS, n=4). Based on the evidence outlined above, the variant was classified as pathogenic.

Dasa
Classification: Likely pathogenic for Dopa-responsive dystonia. Last evaluated: 2022-06-10. Review status: criteria provided, single submitter. Criteria: ACMG Guidelines, 2015. Collection method: clinical testing. Allele origin: germline. Affected: yes. Observed: 2 variant alleles.
Comment: The c.671A>G;p.(Lys224Arg) missense change has been observed in affected individual(s) and ClinVar contains an entry for this variant (PMID: 12391354; 9667588; 8852666) - PS4. The p.(Lys224Arg) was detected in trans with a Pathogenic variant (PM3: PMID: 9667588) - PM3. The variant co-segregated with disease in multiple affected family members (PMID: 12391354; 8852666) - PP1.andallele frequency is greater than expected for disorder - BS1. In summary, the currently available evidence indicates that the variant is Likely Pathogenic

Institute of Human Genetics, University of Leipzig Medical Center
Classification: Uncertain significance for Dystonia 5. Last evaluated: 2022-02-09. Review status: criteria provided, single submitter. Criteria: ACMG Guidelines, 2015. Collection method: clinical testing. Allele origin: paternal. Inheritance: Autosomal dominant inheritance. Affected: yes.

Ambry Genetics
Classification: Uncertain significance for Inborn genetic diseases. Last evaluated: 2021-11-18. Review status: criteria provided, single submitter. Criteria: Ambry Variant Classification Scheme 2023. Collection method: clinical testing. Allele origin: germline.

Mendelics
Classification: Likely pathogenic for GTP cyclohydrolase I deficiency with hyperphenylalaninemia. Last evaluated: 2021-11-05. Review status: criteria provided, single submitter. Criteria: Mendelics Assertion Criteria 2017. Collection method: clinical testing. Allele origin: unknown.

Athena Diagnostics
Classification: Likely pathogenic. Last evaluated: 2021-03-15. Review status: criteria provided, single submitter. Criteria: Athena Diagnostics criteria. Collection method: clinical testing. Allele origin: unknown.
Comment: The frequency of this variant in the general population is consistent with pathogenicity. This variant associates with disease in multiple families presenting with dopa-responsive dystonia (DRD). The GCH1 gene is reported to exhibit gender-related incomplete penetrance of disease. Consistent with this variability, this variant has been reported in individuals ranging in presentation from severe DRD, to adult-onset parkinsonism, to asymptomatic.

Equipe Genetique des Anomalies du Developpement, Université de Bourgogne
Classification: Pathogenic for Dystonia 5. Last evaluated: 2018-11-21. Review status: criteria provided, single submitter. Criteria: ACMG Guidelines, 2015. Collection method: clinical testing. Allele origin: unknown.

Juno Genomics, Hangzhou Juno Genomics, Inc
Classification: Pathogenic for Dystonia 5; GTP cyclohydrolase I deficiency with hyperphenylalaninemia. Review status: criteria provided, single submitter. Criteria: ACMG Guidelines, 2015. Collection method: clinical testing. Allele origin: germline.
Comment: Absent from controls (or at extremely low frequency if recessive) in Genome Aggregation Database.;The prevalence of the variant in affected individuals is significantly increased compared to the prevalence in controls.;For recessive disorders, detected in trans with a pathogenic variant.;Co-segregation with disease in multiple affected family members.;Patient's phenotype or family history is highly specific for a disease with a single genetic etiology.

Laboratory Cellgenetics, GMDL Cellgenetics
Classification: Likely pathogenic for Dystonia 5. Review status: criteria provided, single submitter. Criteria: ACMG Guidelines, 2015. Collection method: clinical testing. Allele origin: unknown. Inheritance: Autosomal dominant inheritance. Affected: yes. Observed: 1 heterozygote.
Comment: The following ACMG criteria were applied in classifying this variant: PS4, PM2, PP1, PP2, PP5.

OMIM
Classification: Pathogenic for DYSTONIA, DOPA-RESPONSIVE. Last evaluated: 2002-10-22. Review status: no assertion criteria provided. Collection method: literature only. Allele origin: germline. Not counted in ClinVar's aggregate classification.

OMIM
Classification: Pathogenic for DYSTONIA, DOPA-RESPONSIVE, WITH OR WITHOUT HYPERPHENYLALANINEMIA, AUTOSOMAL RECESSIVE. Last evaluated: 2002-10-22. Review status: no assertion criteria provided. Collection method: literature only. Allele origin: germline. Not counted in ClinVar's aggregate classification.

Literature cited by the submitters: PubMed 9667588 (cited by 7 submitters); PubMed 12391354 (cited by 6 submitters); PubMed 15303002 (cited by Labcorp Genetics (formerly Invitae), Labcorp and Athena Diagnostics); PubMed 17044972 (cited by Labcorp Genetics (formerly Invitae), Labcorp and Women's Health and Genetics/Laboratory Corporation of America, LabCorp); PubMed 18044725 (cited by 3 submitters); PubMed 19332422 (cited by 3 submitters); PubMed 25497597 (cited by Labcorp Genetics (formerly Invitae), Labcorp and Athena Diagnostics); PubMed 30314816 (cited by 3 submitters); PubMed 35083481 (cited by Labcorp Genetics (formerly Invitae), Labcorp); PubMed 23430498 (cited by 3 submitters); PubMed 8852666 (cited by 5 submitters); PubMed 23942198 (cited by Women's Health and Genetics/Laboratory Corporation of America, LabCorp); PubMed 30894892 (cited by Ambry Genetics and Athena Diagnostics); PubMed 29471552 (cited by Athena Diagnostics); PubMed 9886460 (cited by Athena Diagnostics); PubMed 27313105 (cited by Athena Diagnostics); PubMed 24993959 (cited by Athena Diagnostics and Laboratory Cellgenetics, GMDL Cellgenetics); PubMed 19234759 (cited by Laboratory Cellgenetics, GMDL Cellgenetics).